The following is an entry in ClinVar:

NM_001308319.2(CHD9):c.1326G>A (p.Ser442=)

Gene: CHD9 (chromodomain helicase DNA binding protein 9; plus strand). Cytogenetic location: 16q12.2.
Variant type: single nucleotide variant.
Coding change: c.1326G>A on transcript NM_001308319.2 (MANE Select); coding-DNA position 1326, G replaced by A.
Protein change: p.Ser442=; no amino-acid change (serine 442 retained).
Molecular consequence: synonymous variant.
Genome position (GRCh38, 1-based): chr16:53,157,415, G>A. VCF-style: chr16-53157415-G-A. GRCh37 (hg19) VCF-style: chr16-53191327-G-A.
Other names: c.1326G>A, p.Ser442= (NM_001352127.3, NM_001382353.1, NM_025134.7).
Identifiers: ClinVar variation 2646531 (VCV002646531.24), dbSNP rs747733475, ClinGen allele CA8054363.
Genomic context (GRCh38, chr16:53,157,415, plus strand): 5'-ATTCGGACAAGATAATTCAAGTCACATTTTAGATCATGACCTTGATCGGCAGTTTACTTC[G>A]CATCTGGTAACACGGCCTTCTGATATGGCTCAGACTCAGTTGCAAAGTCAGGCTCGGAGT-3'
Protein context (NP_001295248.1, residues 432-452): LDHDLDRQFT[Ser442=]HLVTRPSDMA

ClinVar aggregate classification (germline): Likely benign (1 of 4 stars; one submission).

Allele frequency attached by ClinVar (database versions not stated): TOPMed 0.00002; gnomAD 0.00003; ExAC 0.00005.
gnomAD v4.1: 18 of 1,613,908 alleles (0.0011%); highest among the groups gnomAD compares: East Asian, 0.018%; no homozygotes.

Submission:

CeGaT Center for Human Genetics Tuebingen
Classification: Likely benign. Last evaluated: 2023-03-01. Review status: criteria provided, single submitter. Criteria: CeGaT Center For Human Genetics Tuebingen Variant Classification Criteria Version 2. Collection method: clinical testing. Allele origin: germline. Affected: yes. Observed: 1 variant allele.
Comment: CHD9: BP4, BP7